The following is an entry in ClinVar:

ClinVar aggregate classification (germline): Likely pathogenic (1 of 4 stars; one submission).

Conditions:
Autosomal recessive polycystic kidney disease (ARPKD). Also called: AR polycystic kidney disease. Identifiers: Orphanet 731, Orphanet 8378, MedGen C0085548, MeSH D017044, MONDO:0009889.

Submission:

Natera, Inc.
Classification: Likely pathogenic for Autosomal recessive polycystic kidney disease. Last evaluated: 2025-09-12. Review status: criteria provided, single submitter. Criteria: Natera Variant Classification Schema (03/2026). Collection method: clinical testing. Allele origin: germline.
Comment: The c.528-1G>A variant in PKHD1 is a canonical splice acceptor site variant predicted to affect pre-mRNA splicing, which may result in an abnormal transcript and altered protein product. This variant may result in a truncated or dysfunctional protein product. This variant is rare in the general population with a frequency below the threshold expected for the associated phenotype(s). Another variant at this same site results in an alteration predicted to cause a similar molecular effect has been observed in individual(s) with the associated phenotype. Given the available evidence, this variant is classified as Likely Pathogenic.

NM_138694.4(PKHD1):c.528-1G>A

Gene: PKHD1 (PKHD1 ciliary IPT domain containing fibrocystin/polyductin; minus strand). Cytogenetic location: 6p12.2.
Variant type: single nucleotide variant.
Coding change: c.528-1G>A on transcript NM_138694.4 (MANE Select); the canonical splice acceptor site of the intron before coding-DNA position 528, G replaced by A.
Molecular consequence: splice acceptor variant.
Genome position (GRCh38, 1-based): chr6:52,072,190, C>T on the plus strand (G>A on the coding strand, the complement: PKHD1 is on the minus strand). VCF-style: chr6-52072190-C-T. GRCh37 (hg19) VCF-style: chr6-51936988-C-T.
Other names: c.528-1G>A (NM_170724.3).
Identifiers: ClinVar variation 4816691 (VCV004816691.1).